The following is an entry in ClinVar:

NM_021098.3(CACNA1H):c.836A>G (p.Tyr279Cys)

Gene: CACNA1H (calcium voltage-gated channel subunit alpha1 H; plus strand). Cytogenetic location: 16p13.3.
Variant type: single nucleotide variant.
Coding change: c.836A>G on transcript NM_021098.3 (MANE Select); coding-DNA position 836, A replaced by G.
Protein change: p.Tyr279Cys; replaces tyrosine 279 with cysteine.
Molecular consequence: missense variant.
Genome position (GRCh38, 1-based): chr16:1,200,288, A>G. VCF-style: chr16-1200288-A-G. GRCh37 (hg19) VCF-style: chr16-1250288-A-G.
Other names: c.836A>G, p.Tyr279Cys (NM_001005407.2); short protein forms Y279C.
Identifiers: ClinVar variation 1487514 (VCV001487514.8), dbSNP rs1364510020, ClinGen allele CA394155885.

ClinVar aggregate classification (germline): Uncertain significance (1 of 4 stars; one submission).

Conditions:
Idiopathic generalized epilepsy. Also called: Generalised epilepsy; EIG. Identifiers: MedGen C0270850, MONDO:0005579, OMIM 600669.
Hyperaldosteronism, familial, type IV (HALD4). Also called: FH IV; ALDOSTERONISM, PRIMARY, AND HYPERTENSION. Identifiers: Orphanet 642671, MedGen C4310756, MONDO:0014875, OMIM 617027.

Submission:

Labcorp Genetics (formerly Invitae), Labcorp
Classification: Uncertain significance for Idiopathic generalized epilepsy; Hyperaldosteronism, familial, type IV. Last evaluated: 2022-07-26. Review status: criteria provided, single submitter. Criteria: Invitae Variant Classification Sherloc (09022015). Collection method: clinical testing. Allele origin: germline.
Comment: This sequence change replaces tyrosine, which is neutral and polar, with cysteine, which is neutral and slightly polar, at codon 279 of the CACNA1H protein (p.Tyr279Cys). This variant is not present in population databases (gnomAD no frequency). This variant has not been reported in the literature in individuals affected with CACNA1H-related conditions. ClinVar contains an entry for this variant (Variation ID: 1487514). Algorithms developed to predict the effect of missense changes on protein structure and function are either unavailable or do not agree on the potential impact of this missense change (SIFT: "Deleterious"; PolyPhen-2: "Probably Damaging"; Align-GVGD: "Class C0"). In summary, the available evidence is currently insufficient to determine the role of this variant in disease. Therefore, it has been classified as a Variant of Uncertain Significance.